The following is an entry in ClinVar:

NM_031407.7(HUWE1):c.1470A>G (p.Glu490=)

Gene: HUWE1 (HECT, UBA and WWE domain containing E3 ubiquitin protein ligase 1; minus strand). Cytogenetic location: Xp11.22.
Variant type: single nucleotide variant.
Coding change: c.1470A>G on transcript NM_031407.7 (MANE Select); coding-DNA position 1470, A replaced by G.
Protein change: p.Glu490=; no amino-acid change (glutamic acid 490 retained).
Molecular consequence: synonymous variant.
Genome position (GRCh38, 1-based): chrX:53,627,429, T>C on the plus strand (A>G on the coding strand, the complement: HUWE1 is on the minus strand). VCF-style: chrX-53627429-T-C. GRCh37 (hg19) VCF-style: chrX-53654380-T-C.
Identifiers: ClinVar variation 129245 (VCV000129245.34), dbSNP rs145143264, ClinGen allele CA153121.
Genomic context (GRCh38, chrX:53,627,429, plus strand): 5'-ATCTCAAGCACAAAAATACTGACTTAATAACTGTTAATTACCATCCATATCAGTTTCCAT[T>C]TCCTCTCCTTCTTGTGTAGTATTGGGTCTCTGGATCTTTGGCTTGATCACAAACGGACAT-3'
Protein context (NP_113584.3, residues 480-500): QRPNTTQEGE[Glu490=]METDMDGVQC

ClinVar aggregate classification (germline): Benign/Likely benign. Review status: criteria provided, multiple submitters, no conflicts (2 of 4 stars). 4 submissions from 4 submitters: Benign (1); Likely benign (3). Last evaluated 2025-08-17.

Conditions:
HUWE1-related disorder. Also called: HUWE1-related condition.

Allele frequency attached by ClinVar (database versions not stated): gnomAD exomes 0.00002 and 0.00003; gnomAD 0.00003 and 0.00004; TOPMed 0.00004; ExAC 0.00006; ESP Exome Variant Server 0.00028.
gnomAD v4.1: 27 of 1,166,766 alleles (0.0023%); highest among the groups gnomAD compares: Middle Eastern, 0.093%; no homozygotes.

Submissions (4):

PreventionGenetics, part of Exact Sciences
Classification: Likely benign for HUWE1-related condition. Last evaluated: 2025-08-17. Review status: criteria provided, single submitter. Criteria: ACMG Guidelines, 2015. Collection method: clinical testing. Allele origin: germline.
Comment: This variant is classified as likely benign based on ACMG/AMP sequence variant interpretation guidelines (Richards et al. 2015 PMID: 25741868, with internal and published modifications).

CeGaT Center for Human Genetics Tuebingen
Classification: Likely benign. Last evaluated: 2023-01-01. Review status: criteria provided, single submitter. Criteria: CeGaT Center For Human Genetics Tuebingen Variant Classification Criteria Version 2. Collection method: clinical testing. Allele origin: germline. Affected: yes. Observed: 1 variant allele.
Comment: HUWE1: BP4, BP7, BS2

Labcorp Genetics (formerly Invitae), Labcorp
Classification: Benign. Last evaluated: 2018-04-24. Review status: criteria provided, single submitter. Criteria: Invitae Variant Classification Sherloc (09022015). Collection method: clinical testing. Allele origin: germline.

Genetic Services Laboratory, University of Chicago
Classification: Likely benign for AllHighlyPenetrant. Last evaluated: 2013-07-15. Review status: criteria provided, single submitter. Criteria: ACMG Guidelines, 2007. Collection method: clinical testing. Allele origin: germline. Inheritance: X-linked inheritance.